The following is an entry in ClinVar:

ClinVar aggregate classification (germline): Uncertain significance (1 of 4 stars; one submission).

Submission:

Ambry Genetics
Classification: Uncertain significance. Last evaluated: 2025-04-05. Review status: criteria provided, single submitter. Criteria: Ambry Variant Classification Scheme 2023. Collection method: clinical testing. Allele origin: germline.
Comment: The p.Q531L variant (also known as c.1592A>T), located in coding exon 1 of the TET2 gene, results from an A to T substitution at nucleotide position 1592. The glutamine at codon 531 is replaced by leucine, an amino acid with dissimilar properties. This amino acid position is conserved. In addition, this alteration is predicted to be tolerated by in silico analysis. Based on the available evidence, the clinical significance of this variant remains unclear.

NM_001127208.3(TET2):c.1592A>T (p.Gln531Leu)

Genes: TET2 (tet methylcytosine dioxygenase 2; plus strand), TET2-AS1 (TET2 antisense RNA 1; minus strand). Cytogenetic location: 4q24.
Variant type: single nucleotide variant.
Coding change: c.1592A>T on transcript NM_001127208.3 (MANE Select); coding-DNA position 1592, A replaced by T.
Protein change: p.Gln531Leu; replaces glutamine 531 with leucine.
Molecular consequence: missense variant.
Genome position (GRCh38, 1-based): chr4:105,235,534, A>T. VCF-style: chr4-105235534-A-T. GRCh37 (hg19) VCF-style: chr4-106156691-A-T.
Other names: c.1592A>T, p.Gln531Leu (NM_017628.4); short protein forms Q531L.
Identifiers: ClinVar variation 3967535 (VCV003967535.1).